The following is an entry in ClinVar:

ClinVar aggregate classification (germline): Uncertain significance (1 of 4 stars; one submission).

Conditions:
Lethal multiple pterygium syndrome (LMPS). Identifiers: Orphanet 33108, MedGen C1854678, MONDO:0009668, OMIM 253290.

Submission:

Labcorp Genetics (formerly Invitae), Labcorp
Classification: Uncertain significance for Lethal multiple pterygium syndrome. Last evaluated: 2023-10-30. Review status: criteria provided, single submitter. Criteria: Invitae Variant Classification Sherloc (09022015). Collection method: clinical testing. Allele origin: germline.
Comment: This sequence change replaces leucine, which is neutral and non-polar, with proline, which is neutral and non-polar, at codon 8 of the CHRNA1 protein (p.Leu8Pro). This variant is not present in population databases (gnomAD no frequency). This variant has not been reported in the literature in individuals affected with CHRNA1-related conditions. ClinVar contains an entry for this variant (Variation ID: 2061535). An algorithm developed to predict the effect of missense changes on protein structure and function (PolyPhen-2) suggests that this variant is likely to be disruptive. In summary, the available evidence is currently insufficient to determine the role of this variant in disease. Therefore, it has been classified as a Variant of Uncertain Significance.

NM_000079.4(CHRNA1):c.23T>C (p.Leu8Pro)

Gene: CHRNA1 (cholinergic receptor nicotinic alpha 1 subunit; minus strand). Cytogenetic location: 2q31.1.
Variant type: single nucleotide variant.
Coding change: c.23T>C on transcript NM_000079.4 (MANE Select); coding-DNA position 23, T replaced by C.
Protein change: p.Leu8Pro; replaces leucine 8 with proline.
Molecular consequence: missense variant.
Genome position (GRCh38, 1-based): chr2:174,764,372, A>G on the plus strand (T>C on the coding strand, the complement: CHRNA1 is on the minus strand). VCF-style: chr2-174764372-A-G. GRCh37 (hg19) VCF-style: chr2-175629100-A-G.
Other names: c.23T>C, p.Leu8Pro (NM_001039523.3); short protein forms L8P.
Identifiers: ClinVar variation 2061535 (VCV002061535.4), dbSNP rs1684152765, ClinGen allele CA349345591.